The following is an entry in ClinVar:

NM_001036.6(RYR3):c.14098G>A (p.Glu4700Lys)

Genes: RYR3 (ryanodine receptor 3; plus strand), AVEN (apoptosis and caspase activation inhibitor; minus strand). Cytogenetic location: 15q14.
Variant type: single nucleotide variant.
Coding change: c.14098G>A on transcript NM_001036.6 (MANE Select); coding-DNA position 14098, G replaced by A.
Protein change: p.Glu4700Lys; replaces glutamic acid 4700 with lysine.
Molecular consequence: missense variant.
Genome position (GRCh38, 1-based): chr15:33,857,870, G>A. VCF-style: chr15-33857870-G-A. GRCh37 (hg19) VCF-style: chr15-34150071-G-A.
Other names: c.14083G>A, p.Glu4695Lys (NM_001243996.4); c.14098G>A (NM_001036.3); short protein forms E4700K, E4695K.
Identifiers: ClinVar variation 579781 (VCV000579781.11), dbSNP rs201221837, ClinGen allele CA7461894.
Genomic context (GRCh38, chr15:33,857,870, plus strand): 5'-GTGGTTTATCTCTATACTGTGGTGGCTTTCAACTTCTTCCGCAAGTTCTACAACAAAAGC[G>A]AAGACGATGACGAGCCCGATATGAAGTGCGACGACATGATGACGGTGAGAGCCCACCCAC-3'
Protein context (NP_001027.3, residues 4690-4710): NFFRKFYNKS[Glu4700Lys]DDDEPDMKCD

ClinVar aggregate classification (germline): Uncertain significance. Review status: criteria provided, multiple submitters, no conflicts (2 of 4 stars). 2 submissions from 2 submitters: Uncertain significance (2). Last evaluated 2021-10-22.

Conditions:
Epileptic encephalopathy. Identifiers: MedGen C0543888, HP:0200134.

Allele frequency attached by ClinVar (database versions not stated): TOPMed 0.00002; gnomAD 0.00005 and 0.00006.
gnomAD v4.1: 182 of 1,614,084 alleles (0.011%); highest among the groups gnomAD compares: Non-Finnish European, 0.013%; no homozygotes.

Submissions (2):

Ambry Genetics
Classification: Uncertain significance. Last evaluated: 2021-10-22. Review status: criteria provided, single submitter. Criteria: Ambry Variant Classification Scheme 2023. Collection method: clinical testing. Allele origin: germline.

Labcorp Genetics (formerly Invitae), Labcorp
Classification: Uncertain significance for Epileptic encephalopathy. Last evaluated: 2020-02-22. Review status: criteria provided, single submitter. Criteria: Invitae Variant Classification Sherloc (09022015). Collection method: clinical testing. Allele origin: germline.
Comment: This sequence change replaces glutamic acid with lysine at codon 4700 of the RYR3 protein (p.Glu4700Lys). The glutamic acid residue is highly conserved and there is a small physicochemical difference between glutamic acid and lysine. This variant is present in population databases (rs201221837, ExAC 0.01%). This variant has not been reported in the literature in individuals with RYR3-related conditions. ClinVar contains an entry for this variant (Variation ID: 579781). Algorithms developed to predict the effect of missense changes on protein structure and function are either unavailable or do not agree on the potential impact of this missense change (SIFT: "Deleterious"; PolyPhen-2: "Benign"; Align-GVGD: "Class C0"). In summary, the available evidence is currently insufficient to determine the role of this variant in disease. Therefore, it has been classified as a Variant of Uncertain Significance.